The following is an entry in ClinVar:

ClinVar aggregate classification (germline): Benign (3 of 4 stars; one submission).

Conditions:
Breast-ovarian cancer, familial, susceptibility to, 2 (BROVCA2). Also called: BRCA2 Hereditary Breast and Ovarian Cancer. Identifiers: Orphanet 145, MedGen C2675520, MONDO:0012933, OMIM 612555. Disease mechanism: loss of function.

Allele frequency attached by ClinVar (database versions not stated): gnomAD 0.04108 and 0.03818; 1000 Genomes Project 0.04014; TOPMed 0.04236; 1000 Genomes Project 30x 0.04482.
gnomAD v4.1: 5,753 of 152,260 alleles (3.8%); highest among the groups gnomAD compares: African/African-American, 13%; 352 homozygotes.

Submission:

Evidence-based Network for the Interpretation of Germline Mutant Alleles (ENIGMA)
Classification: Benign for Breast-ovarian cancer, familial 2. Last evaluated: 2015-01-12. Review status: reviewed by expert panel. Criteria: ENIGMA BRCA1/2 Classification Criteria (2015). Collection method: curation. Allele origin: germline.
Comment: Class 1 not pathogenic based on frequency >1% in an outbred sampleset. Frequency 0.14 (African), derived from 1000 genomes (2012-04-30).

NM_000059.3(BRCA2):c.-764A>G

Genes: BRCA2 (BRCA2 DNA repair associated; plus strand), ZAR1L (zygote arrest 1 like; minus strand), LOC106721785 (BRCA2 promoter/silencer region; plus strand). Cytogenetic location: 13q13.1.
Variant type: single nucleotide variant.
Coding change: c.-764A>G on transcript NM_000059.3; 764 bases upstream of the start codon, A replaced by G.
Molecular consequence: intron variant (on NM_001136571.2).
Genome position (GRCh38, 1-based): chr13:32,314,943, A>G. VCF-style: chr13-32314943-A-G. GRCh37 (hg19) VCF-style: chr13-32889080-A-G.
Other names: -536 A>G; c.-390+372T>C (NM_001136571.2).
Identifiers: ClinVar variation 209597 (VCV000209597.3), dbSNP rs7988901, ClinGen allele CA276566.